The following is an entry in ClinVar:

ClinVar aggregate classification (germline): Uncertain significance (1 of 4 stars; one submission).

Submission:

Labcorp Genetics (formerly Invitae), Labcorp
Classification: Uncertain significance. Last evaluated: 2022-11-08. Review status: criteria provided, single submitter. Criteria: Invitae Variant Classification Sherloc (09022015). Collection method: clinical testing. Allele origin: germline.
Comment: In summary, the available evidence is currently insufficient to determine the role of this variant in disease. Therefore, it has been classified as a Variant of Uncertain Significance. Variants that disrupt the consensus splice site are a relatively common cause of aberrant splicing (PMID: 17576681, 9536098). Algorithms developed to predict the effect of sequence changes on RNA splicing suggest that this variant is not likely to affect RNA splicing. ClinVar contains an entry for this variant (Variation ID: 1399391). This variant has not been reported in the literature in individuals affected with MDH2-related conditions. This variant is not present in population databases (gnomAD no frequency). This sequence change falls in intron 7 of the MDH2 gene. It does not directly change the encoded amino acid sequence of the MDH2 protein. It affects a nucleotide within the consensus splice site.

Literature cited by the submitters: PubMed 17576681; PubMed 9536098.

NM_005918.4(MDH2):c.733+5A>T

Gene: MDH2 (malate dehydrogenase 2; plus strand). Cytogenetic location: 7q11.23.
Variant type: single nucleotide variant.
Coding change: c.733+5A>T on transcript NM_005918.4 (MANE Select); 5 bases into the intron after coding-DNA position 733, A replaced by T.
Molecular consequence: intron variant.
Genome position (GRCh38, 1-based): chr7:76,064,443, A>T. VCF-style: chr7-76064443-A-T. GRCh37 (hg19) VCF-style: chr7-75693761-A-T.
Other names: c.607+5A>T (NM_001282403.2); c.412+5A>T (NM_001282404.2).
Identifiers: ClinVar variation 1399391 (VCV001399391.6), dbSNP rs1554587495, ClinGen allele CA2573142354.